The following is an entry in ClinVar:

ClinVar aggregate classification (germline): Uncertain significance (1 of 4 stars; one submission).

Submission:

Labcorp Genetics (formerly Invitae), Labcorp
Classification: Uncertain significance. Last evaluated: 2022-09-07. Review status: criteria provided, single submitter. Criteria: Invitae Variant Classification Sherloc (09022015). Collection method: clinical testing. Allele origin: germline.
Comment: This variant is not present in population databases (gnomAD no frequency). This sequence change replaces threonine, which is neutral and polar, with isoleucine, which is neutral and non-polar, at codon 27 of the GDF1 protein (p.Thr27Ile). This variant has not been reported in the literature in individuals affected with GDF1-related conditions. ClinVar contains an entry for this variant (Variation ID: 581534). Algorithms developed to predict the effect of missense changes on protein structure and function are either unavailable or do not agree on the potential impact of this missense change (SIFT: "Tolerated"; PolyPhen-2: "Not Available"; Align-GVGD: "Class C0"). In summary, the available evidence is currently insufficient to determine the role of this variant in disease. Therefore, it has been classified as a Variant of Uncertain Significance.

NM_001492.6(GDF1):c.80C>T (p.Thr27Ile)

Genes: CERS1 (ceramide synthase 1; minus strand), GDF1 (growth differentiation factor 1; minus strand). Cytogenetic location: 19p13.11.
Variant type: single nucleotide variant.
Coding change: c.80C>T on transcript NM_001492.6 (MANE Select); coding-DNA position 80, C replaced by T.
Protein change: p.Thr27Ile; replaces threonine 27 with isoleucine.
Molecular consequence: missense variant. On other transcripts: 3 prime UTR variant (2).
Genome position (GRCh38, 1-based): chr19:18,870,228, G>A on the plus strand (C>T on the coding strand, the complement: GDF1 is on the minus strand). VCF-style: chr19-18870228-G-A. GRCh37 (hg19) VCF-style: chr19-18981037-G-A.
Other names: c.*349C>T (NM_001387440.1, NM_021267.5); c.80C>T, p.Thr27Ile (NM_001387438.1); short protein forms T27I.
Identifiers: ClinVar variation 581534 (VCV000581534.10), dbSNP rs1568291657, ClinGen allele CA404863986.
Genomic context (GRCh38, chr19:18,870,228, plus strand): 5'-TCGCGCAGTCCTAGAGCCTGGAGCAGGGCGGCGGCTGGGCCTGGGGGCACGGGGGCGCGG[G>A]TCAGGGGCAGCGAGGGCAGCAGCAGGGCCAGGAGGAGGAGGAGGTGGTGGCCGCAGGGAC-3'
Protein context (NP_001483.3, residues 17-37): LALLLPSLPL[Thr27Ile]RAPVPPGPAA